The following is an entry in ClinVar:

ClinVar aggregate classification (germline): Uncertain significance. Review status: criteria provided, multiple submitters, no conflicts (2 of 4 stars). 2 submissions from 2 submitters: Uncertain significance (2). Last evaluated 2024-11-20.

Conditions:
COQ7-related disorder. Also called: COQ7-related condition.
Primary coenzyme Q10 deficiency 8. Identifiers: MedGen C4225226, MONDO:0014754, OMIM 616733.

Allele frequency attached by ClinVar (database versions not stated): TOPMed below 0.00001; ExAC 0.00003.
gnomAD v4.1: 12 of 1,606,874 alleles (0.00075%); highest among the groups gnomAD compares: Admixed American, 0.0034%; no homozygotes.

Submissions (2):

3billion
Classification: Uncertain significance for COQ7-related disorder. Last evaluated: 2024-11-20. Review status: criteria provided, single submitter. Criteria: ACMG Guidelines, 2015. Collection method: clinical testing. Allele origin: germline. Affected: yes.
Comment: The variant is observed at an extremely low frequency in the gnomAD v4.1.0 dataset (total allele frequency: <0.001%). Predicted Consequence/Location: Intron variant In silico tools predict the variant to alter splicing and produce an abnormal transcript [SpliceAI: 0.88 (>=0.2, moderate evidence for spliceogenicity)]. The variant has been reported as of uncertain significance (ClinVar ID: VCV001878532; PMID: 36801247; 3billion dataset). Therefore, this variant is classified as VUS according to the recommendation of ACMG/AMP guideline.

Neuberg Centre For Genomic Medicine, NCGM
Classification: Uncertain significance for Primary coenzyme Q10 deficiency 8. Review status: criteria provided, single submitter. Criteria: ACMG Guidelines, 2015. Collection method: clinical testing. Allele origin: germline. Affected: yes.
Comment: The splice region variant c.367+5G>A in COQ7 (NM_016138.5) has not been reported previously as a pathogenic variant nor as a benign variant, to our knowledge. The c.367+5G>A variant is observed in 2/33,978 (0.0059%) alleles from individuals of Latino background in gnomAD Exomes and is novel (not in any individuals) in 1000 Genomes. The c.367+5G>A variant is predicted to disrupt splicing by all splice site algorithms. The nucleotide c.367+5G>A in COQ7 is predicted conserved by GERP++ and PhyloP across 100 vertebrates. For these reasons, this variant has been classified as Uncertain Significance.

NM_016138.5(COQ7):c.367+5G>A

Gene: COQ7 (coenzyme Q7, hydroxylase; plus strand). Cytogenetic location: 16p12.3.
Variant type: single nucleotide variant.
Coding change: c.367+5G>A on transcript NM_016138.5 (MANE Select); 5 bases into the intron after coding-DNA position 367, G replaced by A.
Molecular consequence: intron variant. On other transcripts: non-coding transcript variant (2).
Genome position (GRCh38, 1-based): chr16:19,074,040, G>A. VCF-style: chr16-19074040-G-A. GRCh37 (hg19) VCF-style: chr16-19085362-G-A.
Other names: c.367+5G>A (NM_001370490.1); c.253+5G>A (NM_001370494.1, NM_001190983.2, NM_001370495.1 and 2 more transcripts); c.325+5G>A (NM_001370489.1, NM_001370491.1).
Identifiers: ClinVar variation 1878532 (VCV001878532.2), dbSNP rs754900287, ClinGen allele CA7932983.
Genomic context (GRCh38, chr16:19,074,040, plus strand): 5'-CAGGGTCCGGCCAACAGTTCTGATGCCCTTGTGGAACGTGCTGGGGTTTGCACTGGGTAC[G>A]TGTCTCTCTAGAAGAGCTTATGCAAGCTTGGGGATCTAGGATGATTAAATCCTTCAGGTA-3'